The following is an entry in ClinVar:

ClinVar aggregate classification (germline): Uncertain significance. Review status: criteria provided, multiple submitters, no conflicts (2 of 4 stars). 3 submissions from 3 submitters: Uncertain significance (3). Last evaluated 2025-11-02.

Conditions:
3-methylglutaconic aciduria, type VIIA. Also called: 3-METHYLGLUTACONIC ACIDURIA WITH NEUROLOGIC INVOLVEMENT AND NEUTROPENIA, AUTOSOMAL DOMINANT. Identifiers: MedGen C5676967, MONDO:0859237, OMIM 619835.
Inborn genetic diseases. Identifiers: MedGen C0950123, MeSH D030342.
3-methylglutaconic aciduria, type VIIB (MGCA7B). Also called: 3-methylglutaconic aciduria with cataracts, neurologic involvement and neutropenia; 3-methylglutaconic aciduria, type VII, with cataracts, neurologic involvement and neutropenia; CLPB Deficiency. Identifiers: Orphanet 445038, MedGen C5676893, MONDO:0014561, OMIM 616271.

Allele frequency attached by ClinVar (database versions not stated): ESP Exome Variant Server 0.00008.

Submissions (3):

Labcorp Genetics (formerly Invitae), Labcorp
Classification: Uncertain significance for 3-methylglutaconic aciduria, type VIIB. Last evaluated: 2025-11-02. Review status: criteria provided, single submitter. Criteria: Invitae Variant Classification Sherloc (09022015). Collection method: clinical testing. Allele origin: germline.
Comment: This sequence change replaces arginine, which is basic and polar, with cysteine, which is neutral and slightly polar, at codon 280 of the CLPB protein (p.Arg280Cys). This variant is present in population databases (rs146762466, gnomAD 0.02%). This variant has not been reported in the literature in individuals affected with CLPB-related conditions. ClinVar contains an entry for this variant (Variation ID: 1010621). An algorithm developed to predict the effect of missense changes on protein structure and function (PolyPhen-2) suggests that this variant is likely to be disruptive. In summary, the available evidence is currently insufficient to determine the role of this variant in disease. Therefore, it has been classified as a Variant of Uncertain Significance.

Ambry Genetics
Classification: Uncertain significance for Inborn genetic diseases. Last evaluated: 2022-12-28. Review status: criteria provided, single submitter. Criteria: Ambry Variant Classification Scheme 2023. Collection method: clinical testing. Allele origin: germline.

Neuberg Centre For Genomic Medicine, NCGM
Classification: Uncertain significance for 3-methylglutaconic aciduria, type VIIA. Review status: criteria provided, single submitter. Criteria: ACMG Guidelines, 2015. Collection method: clinical testing. Allele origin: germline. Inheritance: Autosomal dominant inheritance. Affected: yes.
Comment: The missense variant c.748C>T p.Arg250Cys in the CLPB gene has not been reported previously as a pathogenic variant nor as a benign variant, to our knowledge. This variant is reported with the allele frequency 0.005% in the gnomAD Exomes and novel not in any individuals in 1000 Genomes. This variant has been reported to the ClinVar database as Uncertain Significance. However, no details are available for independent assessment. The amino acid Arginine at position 250 is changed to a Cysteine changing protein sequence and it might alter its composition and physico-chemical properties. The amino acid change p.Arg250Cys in CLPB is predicted as conserved by GERP++ and PhyloP across 100 vertebrates. For these reasons, this variant has been classified as Uncertain Significance.

NM_001258392.3(CLPB):c.748C>T (p.Arg250Cys)

Gene: CLPB (ClpB family mitochondrial disaggregase; minus strand). Cytogenetic location: 11q13.4.
Variant type: single nucleotide variant.
Coding change: c.748C>T on transcript NM_001258392.3 (MANE Select); coding-DNA position 748, C replaced by T.
Protein change: p.Arg250Cys; replaces arginine 250 with cysteine.
Molecular consequence: missense variant.
Genome position (GRCh38, 1-based): chr11:72,358,907, G>A on the plus strand (C>T on the coding strand, the complement: CLPB is on the minus strand). VCF-style: chr11-72358907-G-A. GRCh37 (hg19) VCF-style: chr11-72069951-G-A.
Other names: c.838C>T (NM_030813.3); c.661C>T, p.Arg221Cys (NM_001258393.3); c.703C>T, p.Arg235Cys (NM_001258394.3); c.838C>T, p.Arg280Cys (NM_030813.6); short protein forms R221C, R235C, R250C, R280C.
Identifiers: ClinVar variation 1010621 (VCV001010621.9), dbSNP rs146762466, ClinGen allele CA6171417.